The following is an entry in ClinVar:

ClinVar aggregate classification (germline): Conflicting classifications of pathogenicity. Review status: criteria provided, conflicting classifications (1 of 4 stars). 2 submissions from 2 submitters: Uncertain significance (1); Likely benign (1). Last evaluated 2019-11-21.

Conditions:
Renal cell carcinoma. Identifiers: Orphanet 217071, MedGen C0007134, MeSH D002292, MONDO:0005086, HP:0005584.
Papillary renal cell carcinoma type 1 (RCCP1). Also called: RENAL CELL CARCINOMA, PAPILLARY, 1, SOMATIC; Renal adenocarcinoma; Renal cell carcinoma 1; Renal cell carcinoma, somatic. Identifiers: Orphanet 47044, MedGen C1336839, OMIM 605074, HP:0011797.

Submissions (2):

Labcorp Genetics (formerly Invitae), Labcorp
Classification: Uncertain significance for Renal cell carcinoma. Last evaluated: 2019-11-21. Review status: criteria provided, single submitter. Criteria: Invitae Variant Classification Sherloc (09022015). Collection method: clinical testing. Allele origin: germline.
Comment: In summary, the available evidence is currently insufficient to determine the role of this variant in disease. Therefore, it has been classified as a Variant of Uncertain Significance. Algorithms developed to predict the effect of missense changes on protein structure and function are either unavailable or do not agree on the potential impact of this missense change (SIFT: "Deleterious"; PolyPhen-2: "Benign"; Align-GVGD: "Class C0"). This variant has not been reported in the literature in individuals with MET-related disease. This variant is not present in population databases (ExAC no frequency). This sequence change replaces valine with alanine at codon 658 of the MET protein (p.Val658Ala). The valine residue is moderately conserved and there is a small physicochemical difference between valine and alanine.

Mendelics
Classification: Likely benign for Papillary renal cell carcinoma type 1. Last evaluated: 2019-05-28. Review status: criteria provided, single submitter. Criteria: Mendelics Assertion Criteria 2017. Collection method: clinical testing. Allele origin: unknown.

NM_000245.4(MET):c.1973T>C (p.Val658Ala)

Gene: MET (MET proto-oncogene, receptor tyrosine kinase; plus strand). Cytogenetic location: 7q31.2.
Variant type: single nucleotide variant.
Coding change: c.1973T>C on transcript NM_000245.4 (MANE Select); coding-DNA position 1973, T replaced by C.
Protein change: p.Val658Ala; replaces valine 658 with alanine.
Molecular consequence: missense variant.
Genome position (GRCh38, 1-based): chr7:116,757,645, T>C. VCF-style: chr7-116757645-T-C. GRCh37 (hg19) VCF-style: chr7-116397699-T-C.
Other names: c.1973T>C, p.Val658Ala (NM_001127500.3, NM_001324401.3); c.683T>C, p.Val228Ala (NM_001324402.2); short protein forms V228A, V658A.
Identifiers: ClinVar variation 661068 (VCV000661068.11), dbSNP rs1584941533, ClinGen allele CA368979606.